The following is an entry in ClinVar:

NM_001378120.1(MBD5):c.1551G>C (p.Gln517His)

Gene: MBD5 (methyl-CpG binding domain protein 5; plus strand). Cytogenetic location: 2q23.1.
Variant type: single nucleotide variant.
Coding change: c.1551G>C on transcript NM_001378120.1 (MANE Select); coding-DNA position 1551, G replaced by C.
Protein change: p.Gln517His; replaces glutamine 517 with histidine.
Molecular consequence: missense variant.
Genome position (GRCh38, 1-based): chr2:148,469,494, G>C. VCF-style: chr2-148469494-G-C. GRCh37 (hg19) VCF-style: chr2-149227063-G-C.
Other names: c.1551G>C, p.Gln517His (NM_018328.5); short protein forms Q517H.
Identifiers: ClinVar variation 2735416 (VCV002735416.3), dbSNP rs751801483, ClinGen allele CA348719926.

ClinVar aggregate classification (germline): Uncertain significance (1 of 4 stars; one submission).

Conditions:
Intellectual developmental disorder, autosomal dominant 1. Also called: Intellectual disability, autosomal dominant 1; MBD5 Haploinsufficiency. Identifiers: Orphanet 228402, MedGen C1969562, MONDO:0007974, OMIM 156200.

gnomAD v4.1: 3 of 1,613,836 alleles (0.00019%); highest among the groups gnomAD compares: South Asian, 0.0011%; 1 homozygote.

Submission:

Labcorp Genetics (formerly Invitae), Labcorp
Classification: Uncertain significance for Intellectual developmental disorder, autosomal dominant 1. Last evaluated: 2023-07-03. Review status: criteria provided, single submitter. Criteria: Invitae Variant Classification Sherloc (09022015). Collection method: clinical testing. Allele origin: germline.
Comment: Advanced modeling of protein sequence and biophysical properties (such as structural, functional, and spatial information, amino acid conservation, physicochemical variation, residue mobility, and thermodynamic stability) performed at Invitae indicates that this missense variant is not expected to disrupt MBD5 protein function. In summary, the available evidence is currently insufficient to determine the role of this variant in disease. Therefore, it has been classified as a Variant of Uncertain Significance. This variant has not been reported in the literature in individuals affected with MBD5-related conditions. This variant is not present in population databases (gnomAD no frequency). This sequence change replaces glutamine, which is neutral and polar, with histidine, which is basic and polar, at codon 517 of the MBD5 protein (p.Gln517His).